The following is an entry in ClinVar:

NM_004260.4(RECQL4):c.2716A>G (p.Ile906Val)

Gene: RECQL4 (RecQ like helicase 4; minus strand). Cytogenetic location: 8q24.3.
Variant type: single nucleotide variant.
Coding change: c.2716A>G on transcript NM_004260.4 (MANE Select); coding-DNA position 2716, A replaced by G.
Protein change: p.Ile906Val; replaces isoleucine 906 with valine.
Molecular consequence: missense variant.
Genome position (GRCh38, 1-based): chr8:144,512,886, T>C on the plus strand (A>G on the coding strand, the complement: RECQL4 is on the minus strand). VCF-style: chr8-144512886-T-C. GRCh37 (hg19) VCF-style: chr8-145738269-T-C.
Other names: short protein forms I906V.
Identifiers: ClinVar variation 1017711 (VCV001017711.5), dbSNP rs1261656954, ClinGen allele CA372675029.

ClinVar aggregate classification (germline): Uncertain significance (1 of 4 stars; one submission).

Conditions:
Baller-Gerold syndrome (BGS). Also called: CRANIOSYNOSTOSIS WITH RADIAL DEFECTS. Identifiers: Orphanet 1225, MedGen C0265308, MONDO:0009039, OMIM 218600.

Allele frequency attached by ClinVar (database versions not stated): gnomAD exomes below 0.00001.
gnomAD v4.1: 2 of 1,595,552 alleles (0.00013%); highest among the groups gnomAD compares: South Asian, 0.0011%; no homozygotes.

Submission:

Labcorp Genetics (formerly Invitae), Labcorp
Classification: Uncertain significance for Baller-Gerold syndrome. Last evaluated: 2023-04-05. Review status: criteria provided, single submitter. Criteria: Invitae Variant Classification Sherloc (09022015). Collection method: clinical testing. Allele origin: germline.
Comment: This variant has not been reported in the literature in individuals affected with RECQL4-related conditions. This sequence change replaces isoleucine, which is neutral and non-polar, with valine, which is neutral and non-polar, at codon 906 of the RECQL4 protein (p.Ile906Val). The frequency data for this variant in the population databases is considered unreliable, as metrics indicate poor data quality at this position in the gnomAD database. ClinVar contains an entry for this variant (Variation ID: 1017711). Advanced modeling of protein sequence and biophysical properties (such as structural, functional, and spatial information, amino acid conservation, physicochemical variation, residue mobility, and thermodynamic stability) performed at Invitae indicates that this missense variant is not expected to disrupt RECQL4 protein function. In summary, the available evidence is currently insufficient to determine the role of this variant in disease. Therefore, it has been classified as a Variant of Uncertain Significance.